The following is an entry in ClinVar:

ClinVar aggregate classification (germline): Uncertain significance (1 of 4 stars; one submission).

Conditions:
Neuropathy, hereditary sensory, type 2C. Also called: KIF1A-Related HSAN2 (HSAN2C); Hereditary sensory and autonomic neuropathy type IIC. Identifiers: Orphanet 970, MedGen C3280168, MONDO:0013634, OMIM 614213.
Intellectual disability, autosomal dominant 9 (NESCAVS). Also called: NESCAV SYNDROME; KIF1A-Related Neurodevelopmental Disorder. Identifiers: Orphanet 662367, MedGen C5393830, MONDO:0013656, OMIM 614255.
Hereditary spastic paraplegia 30. Identifiers: Orphanet 101010, MedGen C5235139, MONDO:0012476.

Allele frequency attached by ClinVar (database versions not stated): gnomAD exomes below 0.00001; ExAC 0.00001; gnomAD 0.00001.
gnomAD v4.1: 2 of 1,613,266 alleles (0.00012%); highest among the groups gnomAD compares: East Asian, 0.0022%; no homozygotes.

Submission:

Labcorp Genetics (formerly Invitae), Labcorp
Classification: Uncertain significance for Hereditary spastic paraplegia 30; Neuropathy, hereditary sensory, type 2C; Intellectual disability, autosomal dominant 9. Last evaluated: 2024-04-29. Review status: criteria provided, single submitter. Criteria: Invitae Variant Classification Sherloc (09022015). Collection method: clinical testing. Allele origin: germline.
Comment: This sequence change replaces aspartic acid, which is acidic and polar, with asparagine, which is neutral and polar, at codon 132 of the KIF1A protein (p.Asp132Asn). This variant is present in population databases (rs752989472, gnomAD 0.006%). This variant has not been reported in the literature in individuals affected with KIF1A-related conditions. ClinVar contains an entry for this variant (Variation ID: 2418234). Advanced modeling of protein sequence and biophysical properties (such as structural, functional, and spatial information, amino acid conservation, physicochemical variation, residue mobility, and thermodynamic stability) performed at Invitae indicates that this missense variant is expected to disrupt KIF1A protein function with a positive predictive value of 95%. In summary, the available evidence is currently insufficient to determine the role of this variant in disease. Therefore, it has been classified as a Variant of Uncertain Significance.

NM_001244008.2(KIF1A):c.394G>A (p.Asp132Asn)

Gene: KIF1A (kinesin family member 1A; minus strand). Cytogenetic location: 2q37.3.
Variant type: single nucleotide variant.
Coding change: c.394G>A on transcript NM_001244008.2 (MANE Select); coding-DNA position 394, G replaced by A.
Protein change: p.Asp132Asn; replaces aspartic acid 132 with asparagine.
Molecular consequence: missense variant.
Genome position (GRCh38, 1-based): chr2:240,787,286, C>T on the plus strand (G>A on the coding strand, the complement: KIF1A is on the minus strand). VCF-style: chr2-240787286-C-T. GRCh37 (hg19) VCF-style: chr2-241726703-C-T.
Other names: c.394G>A, p.Asp132Asn (NM_001320705.2, NM_001330289.2, NM_001330290.2 and 21 more transcripts); short protein forms D132N.
Identifiers: ClinVar variation 2418234 (VCV002418234.8), dbSNP rs752989472, ClinGen allele CA2208800.